The following is an entry in ClinVar:

ClinVar aggregate classification (germline): Uncertain significance (1 of 4 stars; one submission).

Conditions:
Melanoma, cutaneous malignant, susceptibility to, 5. Also called: Cutaneous malignant melanoma 5. Identifiers: Orphanet 618, MedGen C2751295, MONDO:0013133, OMIM 613099.

gnomAD v4.1: 1 of 1,609,294 alleles (0.000062%); highest among the groups gnomAD compares: Admixed American, 0.0017%; no homozygotes.

Submission:

Labcorp Genetics (formerly Invitae), Labcorp
Classification: Uncertain significance for Melanoma, cutaneous malignant, susceptibility to, 5. Last evaluated: 2021-02-24. Review status: criteria provided, single submitter. Criteria: Invitae Variant Classification Sherloc (09022015). Collection method: clinical testing. Allele origin: germline.
Comment: This sequence change replaces alanine with proline at codon 222 of the MC1R protein (p.Ala222Pro). The alanine residue is moderately conserved and there is a small physicochemical difference between alanine and proline. This variant is not present in population databases (ExAC no frequency). This variant has not been reported in the literature in individuals with MC1R-related conditions. Algorithms developed to predict the effect of missense changes on protein structure and function (SIFT, PolyPhen-2, Align-GVGD) all suggest that this variant is likely to be tolerated, but these predictions have not been confirmed by published functional studies and their clinical significance is uncertain. In summary, the available evidence is currently insufficient to determine the role of this variant in disease. Therefore, it has been classified as a Variant of Uncertain Significance.

NM_002386.4(MC1R):c.664G>C (p.Ala222Pro)

Gene: MC1R (melanocortin 1 receptor; plus strand). Cytogenetic location: 16q24.3.
Variant type: single nucleotide variant.
Coding change: c.664G>C on transcript NM_002386.4 (MANE Select); coding-DNA position 664, G replaced by C.
Protein change: p.Ala222Pro; replaces alanine 222 with proline.
Molecular consequence: missense variant.
Genome position (GRCh38, 1-based): chr16:89,919,922, G>C. VCF-style: chr16-89919922-G-C. GRCh37 (hg19) VCF-style: chr16-89986330-G-C.
Other names: short protein forms A222P.
Identifiers: ClinVar variation 1448905 (VCV001448905.8), dbSNP rs369807854, ClinGen allele CA397462649.
Genomic context (GRCh38, chr16:89,919,922, plus strand): 5'-CTCATGGCCGTGCTGTACGTCCACATGCTGGCCCGGGCCTGCCAGCACGCCCAGGGCATC[G>C]CCCGGCTCCACAAGAGGCAGCGCCCGGTCCACCAGGGCTTTGGCCTTAAAGGCGCTGTCA-3'
Protein context (NP_002377.4, residues 212-232): ARACQHAQGI[Ala222Pro]RLHKRQRPVH